The following is an entry in ClinVar:

NM_001276270.2(MBD4):c.787A>G (p.Lys263Glu)

Gene: MBD4 (methyl-CpG binding domain 4, DNA glycosylase; minus strand). Cytogenetic location: 3q21.3.
Variant type: single nucleotide variant.
Coding change: c.787A>G on transcript NM_001276270.2 (MANE Select); coding-DNA position 787, A replaced by G.
Protein change: p.Lys263Glu; replaces lysine 263 with glutamic acid.
Molecular consequence: missense variant. On other transcripts: intron variant (1).
Genome position (GRCh38, 1-based): chr3:129,436,857, T>C on the plus strand (A>G on the coding strand, the complement: MBD4 is on the minus strand). VCF-style: chr3-129436857-T-C. GRCh37 (hg19) VCF-style: chr3-129155700-T-C.
Other names: c.787A>G, p.Lys263Glu (NM_001276271.2, NM_001276272.2, NM_003925.3); c.247+951A>G (NM_001276273.2); short protein forms K263E.
Identifiers: ClinVar variation 3543813 (VCV003543813.3).
Genomic context (GRCh38, chr3:129,436,857, plus strand): 5'-GACTTTTTTGTGCAACAGGTTCACTTTCAGCATCTGCTTTATTACACACAGATTCTCTTT[T>C]GCTATCACTTTGAACAAAACCTGAACAGCTCTTCCTACATCCTTTTTTAGTTTTCTTAAT-3'
Protein context (NP_001263199.1, residues 253-273): SCSGFVQSDS[Lys263Glu]RESVCNKADA

ClinVar aggregate classification (germline): Uncertain significance. Review status: criteria provided, multiple submitters, no conflicts (2 of 4 stars). 2 submissions from 2 submitters: Uncertain significance (2). Last evaluated 2024-12-10.

Conditions:
Inborn genetic diseases. Identifiers: MedGen C0950123, MeSH D030342.

Submissions (2):

Ambry Genetics
Classification: Uncertain significance for Inborn genetic diseases. Last evaluated: 2024-12-10. Review status: criteria provided, single submitter. Criteria: Ambry Variant Classification Scheme 2023. Collection method: clinical testing. Allele origin: germline.
Comment: The p.K263E variant (also known as c.787A>G), located in coding exon 3 of the MBD4 gene, results from an A to G substitution at nucleotide position 787. The lysine at codon 263 is replaced by glutamic acid, an amino acid with similar properties. This amino acid position is conserved. In addition, the in silico prediction for this alteration is inconclusive. Based on the available evidence, the clinical significance of this variant remains unclear.

Labcorp Genetics (formerly Invitae), Labcorp
Classification: Uncertain significance. Last evaluated: 2024-05-30. Review status: criteria provided, single submitter. Criteria: Invitae Variant Classification Sherloc (09022015). Collection method: clinical testing. Allele origin: germline.
Comment: This sequence change replaces lysine, which is basic and polar, with glutamic acid, which is acidic and polar, at codon 263 of the MBD4 protein (p.Lys263Glu). This variant is not present in population databases (gnomAD no frequency). This variant has not been reported in the literature in individuals affected with MBD4-related conditions. Algorithms developed to predict the effect of missense changes on protein structure and function output the following: SIFT: "Not Available"; PolyPhen-2: "Benign"; Align-GVGD: "Not Available". The glutamic acid amino acid residue is found in multiple mammalian species, which suggests that this missense change does not adversely affect protein function. In summary, the available evidence is currently insufficient to determine the role of this variant in disease. Therefore, it has been classified as a Variant of Uncertain Significance.